The following is an entry in ClinVar:

NC_000013.11:g.32316408C>T

Gene: BRCA2 (BRCA2 DNA repair associated; plus strand). Cytogenetic location: 13q13.1.
Variant type: single nucleotide variant.
Genome position: GRCh38 VCF-style: chr13-32316408-C-T. GRCh37 (hg19) VCF-style: chr13-32890545-C-T.
Other names: IVS1-14C>T; c.-39-14C>T (LRG_293t1).
Identifiers: ClinVar variation 91743 (VCV000091743.11), dbSNP rs398122721, ClinGen allele CA019155.

ClinVar aggregate classification (germline): Benign/Likely benign. Review status: criteria provided, multiple submitters, no conflicts (2 of 4 stars). 3 submissions from 3 submitters: Benign (1); Likely benign (1). 1 of the submissions does not count toward it. Last evaluated 2025-11-17.

Conditions:
Hereditary breast ovarian cancer syndrome. Also called: Breast and ovarian cancer; Hereditary breast and ovarian cancer; Hereditary breast and ovarian cancer syndrome; BRCA1- and BRCA2-Associated Hereditary Breast and Ovarian Cancer; Hereditary breast and ovarian cancer syndrome (HBOC); Hereditary breast and/or ovarian cancer syndrome. Identifiers: Orphanet 145, MedGen C0677776, MeSH D061325, MONDO:0003582. Disease mechanism: loss of function.
Breast-ovarian cancer, familial, susceptibility to, 2 (BROVCA2). Also called: BRCA2 Hereditary Breast and Ovarian Cancer. Identifiers: Orphanet 145, MedGen C2675520, MONDO:0012933, OMIM 612555. Disease mechanism: loss of function.

Submissions (3):

Labcorp Genetics (formerly Invitae), Labcorp
Classification: Likely benign for Hereditary breast ovarian cancer syndrome. Last evaluated: 2025-11-17. Review status: criteria provided, single submitter. Criteria: Invitae Variant Classification Sherloc (09022015). Collection method: clinical testing. Allele origin: germline.

Myriad Genetics, Inc.
Classification: Benign for Breast-ovarian cancer, familial, susceptibility to, 2. Last evaluated: 2025-08-13. Review status: criteria provided, single submitter. Criteria: Myriad Autosomal Dominant, Autosomal Recessive and X-Linked Classification Criteria (2023). Collection method: clinical testing. Allele origin: unknown.
Comment: This variant is considered benign. This variant is intronic and is not expected to impact mRNA splicing. This variant is strongly associated with less severe personal and family histories of cancer, typical for individuals without pathogenic variants in this gene [PMID: 25085752].

Sharing Clinical Reports Project (SCRP)
Classification: Likely benign for Breast-ovarian cancer, familial 2. Last evaluated: 2012-04-20. Review status: no assertion criteria provided. Collection method: clinical testing. Allele origin: germline. Not counted in ClinVar's aggregate classification.

Literature cited by the submitters: PubMed 25085752 (cited by Myriad Genetics, Inc.).